The following is an entry in ClinVar:

ClinVar aggregate classification (germline): Pathogenic (1 of 4 stars; one submission).

Conditions:
Cone-rod dystrophy 13 (CORD13). Identifiers: Orphanet 1872, MedGen C2750720, MONDO:0011987, OMIM 608194.
Leber congenital amaurosis 6 (LCA6). Identifiers: Orphanet 65, MedGen C1854260, MONDO:0013446, OMIM 613826.

Submission:

Labcorp Genetics (formerly Invitae), Labcorp
Classification: Pathogenic for Leber congenital amaurosis 6; Cone-rod dystrophy 13. Last evaluated: 2020-10-27. Review status: criteria provided, single submitter. Criteria: Invitae Variant Classification Sherloc (09022015). Collection method: clinical testing. Allele origin: germline.
Comment: For these reasons, this variant has been classified as Pathogenic. Algorithms developed to predict the effect of sequence changes on RNA splicing suggest that this variant may create or strengthen a splice site, but this prediction has not been confirmed by published transcriptional studies. This variant has not been reported in the literature in individuals with RPGRIP1-related conditions. This variant is not present in population databases (ExAC no frequency). This sequence change creates a premature translational stop signal (p.Gln105*) in the RPGRIP1 gene. It is expected to result in an absent or disrupted protein product. Loss-of-function variants in RPGRIP1 are known to be pathogenic (PMID: 11528500, 23105016).

Literature cited by the submitters: PubMed 11528500; PubMed 23105016.

NM_020366.4(RPGRIP1):c.313C>T (p.Gln105Ter)

Gene: RPGRIP1 (RPGR interacting protein 1; plus strand). Cytogenetic location: 14q11.2.
Variant type: single nucleotide variant.
Coding change: c.313C>T on transcript NM_020366.4 (MANE Select); coding-DNA position 313, C replaced by T.
Protein change: p.Gln105Ter; replaces glutamine 105 with a stop codon.
Molecular consequence: nonsense.
Genome position (GRCh38, 1-based): chr14:21,301,060, C>T. VCF-style: chr14-21301060-C-T. GRCh37 (hg19) VCF-style: chr14-21769219-C-T.
Other names: short protein forms Q105*.
Identifiers: ClinVar variation 1074924 (VCV001074924.7), dbSNP rs2139156519, ClinGen allele CA388858721.
Genomic context (GRCh38, chr14:21,301,060, plus strand): 5'-GGCCGGGACCTGCGGGTCGCGGAGGAGGCGGCGCCGCTCTCGGAGACCGCAAGGCGCGGG[C>T]AGAAGGCGGGATGGCGGCAGCGCCTCTCCATGCACCAGCGCCCCCAGATGCACCGACTGC-3'